The following is an entry in ClinVar:

NM_177438.3(DICER1):c.2653A>G (p.Asn885Asp)

Gene: DICER1 (dicer 1, ribonuclease III; minus strand). Cytogenetic location: 14q32.13.
Variant type: single nucleotide variant.
Coding change: c.2653A>G on transcript NM_177438.3 (MANE Select); coding-DNA position 2653, A replaced by G.
Protein change: p.Asn885Asp; replaces asparagine 885 with aspartic acid.
Molecular consequence: missense variant. On other transcripts: non-coding transcript variant (6).
Genome position (GRCh38, 1-based): chr14:95,107,759, T>C on the plus strand (A>G on the coding strand, the complement: DICER1 is on the minus strand). VCF-style: chr14-95107759-T-C. GRCh37 (hg19) VCF-style: chr14-95574096-T-C.
Other names: c.2653A>G, p.Asn885Asp (NM_001195573.1, NM_001271282.3, NM_001291628.2 and 13 more transcripts); c.2371A>G, p.Asn791Asp (NM_001395686.1); c.2248A>G, p.Asn750Asp (NM_001395687.1, NM_001395688.1, NM_001395689.1 and 2 more transcripts); c.2086A>G, p.Asn696Asp (NM_001395691.1); c.970A>G, p.Asn324Asp (NM_001395697.1); short protein forms N696D, N885D, N324D, N750D, N791D.
Identifiers: ClinVar variation 1794346 (VCV001794346.2), dbSNP rs2542832872, ClinGen allele CA390880984.

ClinVar aggregate classification (germline): Uncertain significance (1 of 4 stars; one submission).

Conditions:
Hereditary cancer-predisposing syndrome. Also called: Tumor predisposition; Hereditary Cancer Syndrome; Neoplastic Syndromes, Hereditary; Hereditary neoplastic syndrome. Identifiers: Orphanet 140162, MedGen C0027672, MeSH D009386, MONDO:0015356.

Submission:

Ambry Genetics
Classification: Uncertain significance for Hereditary cancer-predisposing syndrome. Last evaluated: 2021-04-19. Review status: criteria provided, single submitter. Criteria: Ambry Variant Classification Scheme 2023. Collection method: clinical testing. Allele origin: germline.
Comment: The p.N885D variant (also known as c.2653A>G), located in coding exon 16 of the DICER1 gene, results from an A to G substitution at nucleotide position 2653. The asparagine at codon 885 is replaced by aspartic acid, an amino acid with highly similar properties. This amino acid position is not well conserved in available vertebrate species. In addition, this alteration is predicted to be tolerated by in silico analysis. Since supporting evidence is limited at this time, the clinical significance of this alteration remains unclear.